The following is an entry in ClinVar:

ClinVar aggregate classification (germline): Uncertain significance (1 of 4 stars; one submission).

Submission:

Labcorp Genetics (formerly Invitae), Labcorp
Classification: Uncertain significance. Last evaluated: 2023-07-25. Review status: criteria provided, single submitter. Criteria: Invitae Variant Classification Sherloc (09022015). Collection method: clinical testing. Allele origin: germline.
Comment: In summary, the available evidence is currently insufficient to determine the role of this variant in disease. Therefore, it has been classified as a Variant of Uncertain Significance. Advanced modeling of protein sequence and biophysical properties (such as structural, functional, and spatial information, amino acid conservation, physicochemical variation, residue mobility, and thermodynamic stability) performed at Invitae indicates that this missense variant is not expected to disrupt C3 protein function. This variant has not been reported in the literature in individuals affected with C3-related conditions. This variant is not present in population databases (gnomAD no frequency). This sequence change replaces glutamine, which is neutral and polar, with arginine, which is basic and polar, at codon 1355 of the C3 protein (p.Gln1355Arg).

NM_000064.4(C3):c.4064A>G (p.Gln1355Arg)

Gene: C3 (complement C3; minus strand). Cytogenetic location: 19p13.3.
Variant type: single nucleotide variant.
Coding change: c.4064A>G on transcript NM_000064.4 (MANE Select); coding-DNA position 4064, A replaced by G.
Protein change: p.Gln1355Arg; replaces glutamine 1355 with arginine.
Molecular consequence: missense variant.
Genome position (GRCh38, 1-based): chr19:6,684,616, T>C on the plus strand (A>G on the coding strand, the complement: C3 is on the minus strand). VCF-style: chr19-6684616-T-C. GRCh37 (hg19) VCF-style: chr19-6684627-T-C.
Other names: short protein forms Q1355R.
Identifiers: ClinVar variation 2746636 (VCV002746636.3), dbSNP rs2512232586, ClinGen allele CA403617296.
Genomic context (GRCh38, chr19:6,684,616, plus strand): 5'-TTACCTGTTTCCGGTGCTGGTTTTATGGTGACCTTGAGGTCGAATTTATTACAGGTGAGT[T>C]GATCTTTGGCCTTAGCATGGTACATTGTCACCACCTGGTAAGATGGGAGAGGAGACACAA-3'
Protein context (NP_000055.2, residues 1345-1365): VTMYHAKAKD[Gln1355Arg]LTCNKFDLKV